The following is an entry in ClinVar:

NM_015202.5(KATNIP):c.3245G>A (p.Arg1082Gln)

Gene: KATNIP (katanin interacting protein; plus strand). Cytogenetic location: 16p12.1.
Variant type: single nucleotide variant.
Coding change: c.3245G>A on transcript NM_015202.5 (MANE Select); coding-DNA position 3245, G replaced by A.
Protein change: p.Arg1082Gln; replaces arginine 1082 with glutamine.
Molecular consequence: missense variant.
Genome position (GRCh38, 1-based): chr16:27,750,205, G>A. VCF-style: chr16-27750205-G-A. GRCh37 (hg19) VCF-style: chr16-27761526-G-A.
Other names: short protein forms R1082Q.
Identifiers: ClinVar variation 3356395 (VCV003356395.1).

ClinVar aggregate classification (germline): Uncertain significance (0 of 4 stars; one submission).

Conditions:
KATNIP-related disorder. Also called: KATNIP-related condition.

gnomAD v4.1: 58 of 1,613,902 alleles (0.0036%); highest among the groups gnomAD compares: Non-Finnish European, 0.0044%; no homozygotes.

Submission:

PreventionGenetics, part of Exact Sciences
Classification: Uncertain significance for KATNIP-related condition. Last evaluated: 2024-09-16. Review status: no assertion criteria provided. Collection method: clinical testing. Allele origin: germline.
Comment: The KATNIP c.3245G>A variant is predicted to result in the amino acid substitution p.Arg1082Gln. To our knowledge, this variant has not been reported in the literature. This variant is reported in 0.0050% of alleles in individuals of East Asian descent in gnomAD. At this time, the clinical significance of this variant is uncertain due to the absence of conclusive functional and genetic evidence.